The following is an entry in ClinVar:

ClinVar aggregate classification (germline): Uncertain significance (1 of 4 stars; one submission).

Conditions:
ERCC2-related disorder. Also called: ERCC2-related conditions; ERCC2-related condition; ERCC2-related disorders. Identifiers: MedGen CN239291.

Submission:

Myriad Genetics, Inc.
Classification: Uncertain significance for ERCC2-related disorder. Last evaluated: 2025-12-01. Review status: criteria provided, single submitter. Criteria: Myriad Autosomal Dominant, Autosomal Recessive and X-Linked Classification Criteria (2023). Collection method: clinical testing. Allele origin: unknown.
Comment: NM_000400.3(ERCC2):c.1790_1792del3ins9(L597_S598delinsRPGA) is an in-frame deletion classified as a variant of uncertain significance in the context of ERCC2-related disorders. L597_S598delinsRPGA has not been observed in cases with relevant disease. Relevant functional assessments of this variant are not available in the literature. L597_S598delinsRPGA has not been observed in referenced population frequency databases. In summary, there is insufficient evidence to classify NM_000400.3(ERCC2):c.1790_1792del3ins9(L597_S598delinsRPGA) as pathogenic or benign. Please note: this variant was assessed in the context of healthy population screening.

NM_000400.4(ERCC2):c.1790_1792delinsGGCCCGGGG (p.Leu597_Ser598delinsArgProGlyAla)

Gene: ERCC2 (ERCC excision repair 2, TFIIH core complex helicase subunit; minus strand). Cytogenetic location: 19q13.32.
Variant type: Indel.
Coding change: c.1790_1792delinsGGCCCGGGG on transcript NM_000400.4 (MANE Select); coding-DNA positions 1790 to 1792, TGT replaced by GGCCCGGGG.
Protein change: p.Leu597_Ser598delinsArgProGlyAla.
Molecular consequence: inframe indel. On other transcripts: non-coding transcript variant (3).
Genome position (GRCh38, 1-based): chr19:45,353,122-45,353,124, ACA replaced by CCCCGGGCC on the plus strand (TGT replaced by GGCCCGGGG on the coding strand, the reverse complement: ERCC2 is on the minus strand). VCF-style: chr19-45353122-ACA-CCCCGGGCC. GRCh37 (hg19) VCF-style: chr19-45856380-ACA-CCCCGGGCC.
Other names: c.1718_1720delinsGGCCCGGGG, p.Leu573_Ser574delinsArgProGlyAla (NM_001440355.1); c.1712_1714delinsGGCCCGGGG, p.Leu571_Ser572delinsArgProGlyAla (NM_001440356.1); c.1667_1669delinsGGCCCGGGG, p.Leu556_Ser557delinsArgProGlyAla (NM_001440357.1).
Identifiers: ClinVar variation 5004304 (VCV005004304.1).
Genomic context (GRCh38, chr19:45,353,122, plus strand): 5'-GGAAGAGCCCAGTCCACTCACCAAAGTCGATTCCCTCGGACACTTTGCCCCGGGCCACTG[ACA>CCCCGGGCC]GCAGGATGGCCCCGCGGCCATTCTCGCAGGCCTGAGGTGGGGAGACCGAGACGCAAGTTA-3'